The following is an entry in ClinVar:

NM_000038.6(APC):c.5615T>A (p.Val1872Asp)

Gene: APC (APC regulator of Wnt signaling pathway; plus strand). Cytogenetic location: 5q22.2.
Variant type: single nucleotide variant.
Coding change: c.5615T>A on transcript NM_000038.6 (MANE Select); coding-DNA position 5615, T replaced by A.
Protein change: p.Val1872Asp; replaces valine 1872 with aspartic acid.
Molecular consequence: missense variant.
Genome position (GRCh38, 1-based): chr5:112,841,209, T>A. VCF-style: chr5-112841209-T-A. GRCh37 (hg19) VCF-style: chr5-112176906-T-A.
Other names: c.5615T>A, p.Val1872Asp (NM_001127510.3, NM_001354895.2); c.5561T>A, p.Val1854Asp (NM_001127511.3); c.5669T>A, p.Val1890Asp (NM_001354896.2); c.5645T>A, p.Val1882Asp (NM_001354897.2); c.5540T>A, p.Val1847Asp (NM_001354898.2); c.5531T>A, p.Val1844Asp (NM_001354899.2); c.5492T>A, p.Val1831Asp (NM_001354900.2); c.5438T>A, p.Val1813Asp (NM_001354901.2); and 5 more; short protein forms V1854D, V1872D, V1589D, V1831D, V1882D, V1746D, V1771D, V1890D.
Identifiers: ClinVar variation 489471 (VCV000489471.21), dbSNP rs748389037, ClinGen allele CA042417.
Genomic context (GRCh38, chr5:112,841,209, plus strand): 5'-CTCCTTACTGTTTTTCACGAAATGATTCTTTGAGTTCTCTAGATTTTGATGATGATGATG[T>A]TGACCTTTCCAGGGAAAAGGCTGAATTAAGAAAGGCAAAAGAAAATAAGGAATCAGAGGC-3'
Protein context (NP_000029.2, residues 1862-1882): LSSLDFDDDD[Val1872Asp]DLSREKAELR

ClinVar aggregate classification (germline): Uncertain significance. Review status: criteria provided, multiple submitters, no conflicts (2 of 4 stars). 6 submissions from 6 submitters: Uncertain significance (6). Last evaluated 2025-09-15.

Conditions:
Familial adenomatous polyposis 1 (FAP1). Also called: FAMILIAL ADENOMATOUS POLYPOSIS 1, ATTENUATED; POLYPOSIS, ADENOMATOUS INTESTINAL. Identifiers: MedGen C2713442, MONDO:0021056, OMIM 175100. Disease mechanism: loss of function.
Hepatocellular carcinoma (HCC). Also called: Primary carcinoma of liver; HEPATOMA; LIVER CELL CARCINOMA. Identifiers: Orphanet 88673, MedGen C2239176, MONDO:0007256, OMIM 114550, HP:0001402.
Desmoid disease, hereditary (DESMD). Also called: FIBROMATOSIS, FAMILIAL INFILTRATIVE. Identifiers: Orphanet 873, MedGen C1851124, OMIM 135290. Disease mechanism: loss of function.
Gastric adenocarcinoma and proximal polyposis of the stomach (GAPPS). Also called: POLYPOSIS, GASTRIC; Gastric Adenocarcinoma and Proximal Polyposis of the Stomach (GAPPS); Polyposis, gastric, Dos Santos and de Magalhaes 1980. Identifiers: Orphanet 314022, MedGen C4749917, MONDO:0017790, OMIM 619182.
Gastric cancer. Also called: Stomach cancer; Malignant tumor of stomach. Identifiers: MedGen C0024623, MeSH D013274, MONDO:0001056, OMIM 613659, HP:0012126.
Colorectal cancer. Also called: Colorectal cancer, somatic; Malignant Colorectal Neoplasm. Identifiers: MedGen C0346629, MONDO:0005575, OMIM 114500.
Classic or attenuated familial adenomatous polyposis. Identifiers: MedGen CN372698, MONDO:0021057.
Hereditary cancer-predisposing syndrome. Also called: Tumor predisposition; Hereditary neoplastic syndrome; Hereditary Cancer Syndrome; Neoplastic Syndromes, Hereditary. Identifiers: Orphanet 140162, MedGen C0027672, MeSH D009386, MONDO:0015356.

Allele frequency attached by ClinVar (database versions not stated): gnomAD exomes 0.00001; ExAC 0.00002.
gnomAD v4.1: 3 of 1,613,990 alleles (0.00019%); highest among the groups gnomAD compares: Middle Eastern, 0.016%; no homozygotes.

Submissions (6):

Labcorp Genetics (formerly Invitae), Labcorp
Classification: Uncertain significance for Familial adenomatous polyposis 1. Last evaluated: 2025-09-15. Review status: criteria provided, single submitter. Criteria: Invitae Variant Classification Sherloc (09022015). Collection method: clinical testing. Allele origin: germline.
Comment: This sequence change replaces valine, which is neutral and non-polar, with aspartic acid, which is acidic and polar, at codon 1872 of the APC protein (p.Val1872Asp). This variant is present in population databases (rs748389037, gnomAD 0.003%). This variant has not been reported in the literature in individuals affected with APC-related conditions. ClinVar contains an entry for this variant (Variation ID: 489471). Invitae Evidence Modeling of protein sequence and biophysical properties (such as structural, functional, and spatial information, amino acid conservation, physicochemical variation, residue mobility, and thermodynamic stability) indicates that this missense variant is not expected to disrupt APC protein function with a negative predictive value of 95%. In summary, the available evidence is currently insufficient to determine the role of this variant in disease. Therefore, it has been classified as a Variant of Uncertain Significance.

Ambry Genetics
Classification: Uncertain significance for Hereditary cancer-predisposing syndrome. Last evaluated: 2025-04-07. Review status: criteria provided, single submitter. Criteria: Ambry Variant Classification Scheme 2023. Collection method: clinical testing. Allele origin: germline.
Comment: The p.V1872D variant (also known as c.5615T>A), located in coding exon 15 of the APC gene, results from a T to A substitution at nucleotide position 5615. The valine at codon 1872 is replaced by aspartic acid, an amino acid with highly dissimilar properties. In a study of whole-exome sequencing in patients with features of Cowden syndrome (CS) or Bannayan-Riley-Ruvalcaba syndrome (BRRS) and negative PTEN testing, this alteration was identified in 0/87 patients with CS or BRRS and 1/3476 patients from The Cancer Genome Atlas (TCGA) (Yehia L et al. PLoS Genet, 2018 04;14:e1007352). This amino acid position is well conserved in available vertebrate species. In addition, in silico predictors for this gene do not accurately predict pathogenicity. Missense alterations in APC are not a common cause of disease (Spier I et al. Genet Med. 2024 Feb;26(2):100992). Since supporting evidence is limited at this time, the clinical significance of this alteration remains unclear.

Color Diagnostics, LLC DBA Color Health
Classification: Uncertain significance for Hereditary cancer-predisposing syndrome. Last evaluated: 2024-08-26. Review status: criteria provided, single submitter. Criteria: ACMG Guidelines, 2015. Collection method: clinical testing. Allele origin: germline.
Comment: This missense variant replaces valine with aspartic acid at codon 1872 of the APC protein. Computational prediction suggests that this variant may not impact protein structure and function (internally defined REVEL score threshold <= 0.5, PMID: 27666373). To our knowledge, functional studies have not been reported for this variant. This variant has been reported in an individual affected with breast cancer (PMID: 29684080). This variant has been identified in 2/250930 chromosomes in the general population by the Genome Aggregation Database (gnomAD). The available evidence is insufficient to determine the role of this variant in disease conclusively. Therefore, this variant is classified as a Variant of Uncertain Significance.

Baylor Genetics
Classification: Uncertain significance for Familial adenomatous polyposis 1. Last evaluated: 2024-02-21. Review status: criteria provided, single submitter. Criteria: ACMG Guidelines, 2015. Collection method: clinical testing. Allele origin: unknown.

All of Us Research Program, National Institutes of Health
Classification: Uncertain significance for Classic or attenuated familial adenomatous polyposis. Last evaluated: 2023-08-08. Review status: criteria provided, single submitter. Criteria: ACMG Guidelines, 2015. Collection method: clinical testing. Allele origin: germline. Inheritance: Autosomal dominant inheritance. Observed: 2 variant alleles, 2 heterozygotes.
Comment: This missense variant replaces valine with aspartic acid at codon 1872 of the APC protein. Computational prediction suggests that this variant may not impact protein structure and function (internally defined REVEL score threshold <= 0.5, PMID: 27666373). To our knowledge, functional studies have not been reported for this variant. This variant has been reported in an individual affected with breast cancer (PMID: 29684080). This variant has been identified in 2/250930 chromosomes in the general population by the Genome Aggregation Database (gnomAD). The available evidence is insufficient to determine the role of this variant in disease conclusively. Therefore, this variant is classified as a Variant of Uncertain Significance.

This study involves interpretation of variants in research participants for the purpose of population health screening. Participant phenotype was not available at the time of variant classification. Additional details can be found in publication PMID: 35346344, PMCID: PMC8962531

Fulgent Genetics
Classification: Uncertain significance for Colorectal cancer; Hepatocellular carcinoma; Desmoid disease, hereditary; Familial adenomatous polyposis 1; Gastric cancer; Gastric adenocarcinoma and proximal polyposis of the stomach. Last evaluated: 2021-07-20. Review status: criteria provided, single submitter. Criteria: ACMG Guidelines, 2015. Collection method: clinical testing. Allele origin: unknown.

Literature cited by the submitters: PubMed 29684080 (cited by 3 submitters).